The following is an entry in ClinVar:

ClinVar aggregate classification (germline): Pathogenic (1 of 4 stars; one submission).

gnomAD v4.1: 1 of 1,613,526 alleles (0.000062%); no homozygotes.

Submission:

Labcorp Genetics (formerly Invitae), Labcorp
Classification: Pathogenic. Last evaluated: 2024-06-03. Review status: criteria provided, single submitter. Criteria: Invitae Variant Classification Sherloc (09022015). Collection method: clinical testing. Allele origin: germline.
Comment: This sequence change creates a premature translational stop signal (p.Glu665*) in the LZTR1 gene. It is expected to result in an absent or disrupted protein product. Loss-of-function variants in LZTR1 are known to be pathogenic (PMID: 24362817, 25335493, 25480913, 25795793, 29469822, 30368668, 30442762, 30442766, 30481304, 30859559). This variant is not present in population databases (gnomAD no frequency). This variant has not been reported in the literature in individuals affected with LZTR1-related conditions. For these reasons, this variant has been classified as Pathogenic.

Literature cited by the submitters: PubMed 24362817; PubMed 25335493; PubMed 25480913; PubMed 25795793; PubMed 29469822; PubMed 30368668; PubMed 30442762; PubMed 30442766; PubMed 30481304; PubMed 30859559.

NM_006767.4(LZTR1):c.1993G>T (p.Glu665Ter)

Gene: LZTR1 (leucine zipper like post translational regulator 1; plus strand). Cytogenetic location: 22q11.21.
Variant type: single nucleotide variant.
Coding change: c.1993G>T on transcript NM_006767.4 (MANE Select); coding-DNA position 1993, G replaced by T.
Protein change: p.Glu665Ter; replaces glutamic acid 665 with a stop codon.
Molecular consequence: nonsense.
Genome position (GRCh38, 1-based): chr22:20,995,796, G>T. VCF-style: chr22-20995796-G-T. GRCh37 (hg19) VCF-style: chr22-21350085-G-T.
Other names: short protein forms E665*.
Identifiers: ClinVar variation 2822250 (VCV002822250.3), dbSNP rs890051054, ClinGen allele CA322271015.